The following is an entry in ClinVar:

ClinVar aggregate classification (germline): Uncertain significance. Review status: criteria provided, multiple submitters, no conflicts (2 of 4 stars). 2 submissions from 2 submitters: Uncertain significance (2). Last evaluated 2021-09-01.

Conditions:
Muscular dystrophy-dystroglycanopathy (congenital with impaired intellectual development), type B, 2. Also called: Muscular dystrophy-dystroglycanopathy (congenital with intellectual disability), type B2; MUSCULAR DYSTROPHY, CONGENITAL, POMT2-RELATED. Identifiers: MedGen C3150416, MONDO:0013160, OMIM 613156.
Autosomal recessive limb-girdle muscular dystrophy type 2N. Also called: MUSCULAR DYSTROPHY-DYSTROGLYCANOPATHY, LIMB-GIRDLE, POMT2-RELATED; Muscular dystrophy-dystroglycanopathy (limb-girdle), type C, 2. Identifiers: Orphanet 206559, MedGen C3150418, MONDO:0013162, OMIM 613158.
Muscular dystrophy-dystroglycanopathy (congenital with brain and eye anomalies), type A2. Also called: MUSCULAR DYSTROPHY-DYSTROGLYCANOPATHY (CONGENITAL WITH BRAIN AND EYE ANOMALIES), TYPE A, 2; WALKER-WARBURG SYNDROME OR MUSCLE-EYE-BRAIN DISEASE, POMT2-RELATED. Identifiers: Orphanet 588, Orphanet 899, MedGen C3150411, MONDO:0013154, OMIM 613150.

Submissions (2):

Labcorp Genetics (formerly Invitae), Labcorp
Classification: Uncertain significance for Muscular dystrophy-dystroglycanopathy (congenital with impaired intellectual development), type B, 2; Muscular dystrophy-dystroglycanopathy (congenital with brain and eye anomalies), type A2; Autosomal recessive limb-girdle muscular dystrophy type 2N. Last evaluated: 2021-09-01. Review status: criteria provided, single submitter. Criteria: Invitae Variant Classification Sherloc (09022015). Collection method: clinical testing. Allele origin: germline.
Comment: This sequence change replaces proline with arginine at codon 23 of the POMT2 protein (p.Pro23Arg). The proline residue is moderately conserved and there is a moderate physicochemical difference between proline and arginine. This variant is not present in population databases (ExAC no frequency). This variant has not been reported in the literature in individuals affected with POMT2-related conditions. Algorithms developed to predict the effect of missense changes on protein structure and function (SIFT, PolyPhen-2, Align-GVGD) all suggest that this variant is likely to be tolerated. In summary, the available evidence is currently insufficient to determine the role of this variant in disease. Therefore, it has been classified as a Variant of Uncertain Significance.

Laboratorio de Genetica e Diagnostico Molecular, Hospital Israelita Albert Einstein
Classification: Uncertain significance. Last evaluated: 2021-04-14. Review status: criteria provided, single submitter. Criteria: ACMG Guidelines, 2015. Collection method: clinical testing. Allele origin: germline. Affected: yes.
Comment: ACMG classification criteria: PM2, BP4

NM_013382.7(POMT2):c.68C>G (p.Pro23Arg)

Gene: POMT2 (protein O-mannosyltransferase 2; minus strand). Cytogenetic location: 14q24.3.
Variant type: single nucleotide variant.
Coding change: c.68C>G on transcript NM_013382.7 (MANE Select); coding-DNA position 68, C replaced by G.
Protein change: p.Pro23Arg; replaces proline 23 with arginine.
Molecular consequence: missense variant.
Genome position (GRCh38, 1-based): chr14:77,320,614, G>C on the plus strand (C>G on the coding strand, the complement: POMT2 is on the minus strand). VCF-style: chr14-77320614-G-C. GRCh37 (hg19) VCF-style: chr14-77786957-G-C.
Other names: short protein forms P23R.
Identifiers: ClinVar variation 1440647 (VCV001440647.7), dbSNP rs2139551576, ClinGen allele CA390504857.